The following is an entry in ClinVar:

NM_145290.4(ADGRA3):c.3076G>A (p.Val1026Ile)

Gene: ADGRA3 (adhesion G protein-coupled receptor A3; minus strand). Cytogenetic location: 4p15.2.
Variant type: single nucleotide variant.
Coding change: c.3076G>A on transcript NM_145290.4 (MANE Select); coding-DNA position 3076, G replaced by A.
Protein change: p.Val1026Ile; replaces valine 1026 with isoleucine.
Molecular consequence: missense variant.
Genome position (GRCh38, 1-based): chr4:22,388,595, C>T on the plus strand (G>A on the coding strand, the complement: ADGRA3 is on the minus strand). VCF-style: chr4-22388595-C-T. GRCh37 (hg19) VCF-style: chr4-22390218-C-T.
Other names: c.3076G>A (NM_145290.2); short protein forms V1026I.
Identifiers: ClinVar variation 2960702 (VCV002960702.4), dbSNP rs772999406, ClinGen allele CA2873448.

ClinVar aggregate classification (germline): Uncertain significance. Review status: criteria provided, multiple submitters, no conflicts (2 of 4 stars). 2 submissions from 2 submitters: Uncertain significance (2). Last evaluated 2025-05-26.

Allele frequency attached by ClinVar (database versions not stated): ExAC 0.00001; TOPMed 0.00001.
gnomAD v4.1: 4 of 1,614,026 alleles (0.00025%); highest among the groups gnomAD compares: Admixed American, 0.005%; no homozygotes.

Submissions (2):

Ambry Genetics
Classification: Uncertain significance. Last evaluated: 2025-05-26. Review status: criteria provided, single submitter. Criteria: Ambry Variant Classification Scheme 2023. Collection method: clinical testing. Allele origin: germline.

Labcorp Genetics (formerly Invitae), Labcorp
Classification: Uncertain significance. Last evaluated: 2025-05-19. Review status: criteria provided, single submitter. Criteria: Invitae Variant Classification Sherloc (09022015). Collection method: clinical testing. Allele origin: germline.
Comment: This sequence change replaces valine, which is neutral and non-polar, with isoleucine, which is neutral and non-polar, at codon 1026 of the ADGRA3 protein (p.Val1026Ile). This variant is present in population databases (rs772999406, gnomAD 0.01%). This variant has not been reported in the literature in individuals affected with ADGRA3-related conditions. ClinVar contains an entry for this variant (Variation ID: 2960702). An algorithm developed to predict the effect of missense changes on protein structure and function (PolyPhen-2) suggests that this variant is likely to be tolerated. In summary, the available evidence is currently insufficient to determine the role of this variant in disease. Therefore, it has been classified as a Variant of Uncertain Significance.